The following is an entry in ClinVar:

NM_015047.3(EMC1):c.2202+4C>T

Genes: EMC1-AS1 (EMC1 antisense RNA 1; plus strand), EMC1 (ER membrane protein complex subunit 1; minus strand). Cytogenetic location: 1p36.13.
Variant type: single nucleotide variant.
Coding change: c.2202+4C>T on transcript NM_015047.3 (MANE Select); 4 bases into the intron after coding-DNA position 2202, C replaced by T.
Molecular consequence: intron variant.
Genome position (GRCh38, 1-based): chr1:19,227,309, G>A on the plus strand (C>T on the coding strand, the complement: EMC1 is on the minus strand). VCF-style: chr1-19227309-G-A. GRCh37 (hg19) VCF-style: chr1-19553803-G-A.
Other names: c.2136+4C>T (NM_001271429.2); c.2199+4C>T (NM_001271427.2, NM_001271428.2); c.2208+4C>T (NM_001375821.1); c.2211+4C>T (NM_001375820.1).
Identifiers: ClinVar variation 2017113 (VCV002017113.4), dbSNP rs1461625897, ClinGen allele CA521514458.

ClinVar aggregate classification (germline): Uncertain significance (1 of 4 stars; one submission).

Allele frequency attached by ClinVar (database versions not stated): gnomAD exomes below 0.00001.
gnomAD v4.1: 1 of 1,614,084 alleles (0.000062%); highest among the groups gnomAD compares: South Asian, 0.0011%; no homozygotes.

Submission:

Labcorp Genetics (formerly Invitae), Labcorp
Classification: Uncertain significance. Last evaluated: 2022-07-14. Review status: criteria provided, single submitter. Criteria: Invitae Variant Classification Sherloc (09022015). Collection method: clinical testing. Allele origin: germline.
Comment: This sequence change falls in intron 18 of the EMC1 gene. It does not directly change the encoded amino acid sequence of the EMC1 protein. It affects a nucleotide within the consensus splice site. This variant is present in population databases (no rsID available, gnomAD 0.003%). This variant has not been reported in the literature in individuals affected with EMC1-related conditions. Variants that disrupt the consensus splice site are a relatively common cause of aberrant splicing (PMID: 17576681, 9536098). Algorithms developed to predict the effect of sequence changes on RNA splicing suggest that this variant is not likely to affect RNA splicing. In summary, the available evidence is currently insufficient to determine the role of this variant in disease. Therefore, it has been classified as a Variant of Uncertain Significance.

Literature cited by the submitters: PubMed 17576681; PubMed 9536098.